The following is an entry in ClinVar:

NM_003274.5(TRAPPC10):c.3418C>T (p.Arg1140Trp)

Gene: TRAPPC10 (trafficking protein particle complex subunit 10; plus strand). Cytogenetic location: 21q22.3.
Variant type: single nucleotide variant.
Coding change: c.3418C>T on transcript NM_003274.5 (MANE Select); coding-DNA position 3418, C replaced by T.
Protein change: p.Arg1140Trp; replaces arginine 1140 with tryptophan.
Molecular consequence: missense variant.
Genome position (GRCh38, 1-based): chr21:44,102,849, C>T. VCF-style: chr21-44102849-C-T. GRCh37 (hg19) VCF-style: chr21-45522730-C-T.
Other names: c.3418C>T (NM_003274.4); c.2017C>T, p.Arg673Trp (NM_001351709.1); short protein forms R1140W, R673W.
Identifiers: ClinVar variation 3238789 (VCV003238789.3), dbSNP rs1283342940.

ClinVar aggregate classification (germline): Uncertain significance. Review status: criteria provided, multiple submitters, no conflicts (2 of 4 stars). 3 submissions from 3 submitters: Uncertain significance (3). Last evaluated 2026-03-26.

Conditions:
Neurodevelopmental disorder with microcephaly, short stature, and speech delay (NEDMISS). Identifiers: MedGen C5774211, MONDO:0859285, OMIM 620027.

Submissions (3):

GeneDx
Classification: Uncertain significance. Last evaluated: 2026-03-26. Review status: criteria provided, single submitter. Criteria: GeneDx Variant Classification Process June 2021. Collection method: clinical testing. Allele origin: germline.
Comment: In silico analysis suggests that this missense variant does not alter protein structure/function; Has not been previously published as pathogenic or benign to our knowledge

Ambry Genetics
Classification: Uncertain significance. Last evaluated: 2024-11-23. Review status: criteria provided, single submitter. Criteria: Ambry Variant Classification Scheme 2023. Collection method: clinical testing. Allele origin: germline.

Baylor Genetics
Classification: Uncertain significance for Neurodevelopmental disorder with microcephaly, short stature, and speech delay. Last evaluated: 2024-01-15. Review status: criteria provided, single submitter. Criteria: ACMG Guidelines, 2015. Collection method: clinical testing. Allele origin: unknown.